The following is an entry in ClinVar:

NM_001348716.2(KDM6B):c.837A>G (p.Pro279=)

Gene: KDM6B (lysine demethylase 6B; plus strand). Cytogenetic location: 17p13.1.
Variant type: single nucleotide variant.
Coding change: c.837A>G on transcript NM_001348716.2 (MANE Select); coding-DNA position 837, A replaced by G.
Protein change: p.Pro279=; no amino-acid change (proline 279 retained).
Molecular consequence: synonymous variant.
Genome position (GRCh38, 1-based): chr17:7,846,944, A>G. VCF-style: chr17-7846944-A-G. GRCh37 (hg19) VCF-style: chr17-7750262-A-G.
Other names: c.837A>G, p.Pro279= (NM_001080424.2).
Identifiers: ClinVar variation 2578781 (VCV002578781.26), dbSNP rs146637535, ClinGen allele CA8360396.

ClinVar aggregate classification (germline): Likely benign. Review status: criteria provided, multiple submitters, no conflicts (2 of 4 stars). 2 submissions from 2 submitters: Likely benign (2). Last evaluated 2026-02-01.

Allele frequency attached by ClinVar (database versions not stated): TOPMed 0.00081; 1000 Genomes Project 30x 0.00094; gnomAD 0.00095; gnomAD exomes 0.00095; ESP Exome Variant Server 0.00100; 1000 Genomes Project 0.00120; ExAC 0.00126.
gnomAD v4.1: 1,360 of 1,400,274 alleles (0.097%); highest among the groups gnomAD compares: East Asian, 0.35%; 4 homozygotes.

Submissions (2):

CeGaT Center for Human Genetics Tuebingen
Classification: Likely benign. Last evaluated: 2026-02-01. Review status: criteria provided, single submitter. Criteria: CeGaT Center For Human Genetics Tuebingen Variant Classification Criteria Version 2. Collection method: clinical testing. Allele origin: germline. Affected: yes. Observed: 12 variant alleles.
Comment: KDM6B: BP4, BS1

Blueprint Genetics
Classification: Likely benign. Last evaluated: 2024-11-11. Review status: criteria provided, single submitter. Criteria: ACMG Guidelines, 2015. Collection method: clinical testing. Allele origin: germline.